The following is an entry in ClinVar:

NM_014712.3(SETD1A):c.5033A>G (p.Glu1678Gly)

Gene: SETD1A (SET domain containing 1A, histone lysine methyltransferase; plus strand). Cytogenetic location: 16p11.2.
Variant type: single nucleotide variant.
Coding change: c.5033A>G on transcript NM_014712.3 (MANE Select); coding-DNA position 5033, A replaced by G.
Protein change: p.Glu1678Gly; replaces glutamic acid 1678 with glycine.
Molecular consequence: missense variant.
Genome position (GRCh38, 1-based): chr16:30,983,932, A>G. VCF-style: chr16-30983932-A-G. GRCh37 (hg19) VCF-style: chr16-30995253-A-G.
Other names: short protein forms E1678G.
Identifiers: ClinVar variation 2413114 (VCV002413114.3), dbSNP rs2543919131, ClinGen allele CA395636956.

ClinVar aggregate classification (germline): Uncertain significance (1 of 4 stars; one submission).

Submission:

GeneDx
Classification: Uncertain significance. Last evaluated: 2022-07-25. Review status: criteria provided, single submitter. Criteria: GeneDx Variant Classification Process June 2021. Collection method: clinical testing. Allele origin: germline. Affected: yes.
Comment: Not observed at significant frequency in large population cohorts (gnomAD); In silico analysis supports that this missense variant has a deleterious effect on protein structure/function; Has not been previously published as pathogenic or benign to our knowledge